The following is an entry in ClinVar:

ClinVar aggregate classification (germline): Uncertain significance. Review status: criteria provided, single submitter (1 of 4 stars). 3 submissions from 3 submitters: Uncertain significance (1). 2 of the submissions do not count toward it. Last evaluated 2022-05-04.

Conditions:
Pigmentary pallidal degeneration (NBIA1). Also called: HARP SYNDROME; Neurodegeneration with brain iron accumulation 1; PKAN NEUROAXONAL DYSTROPHY, JUVENILE-ONSET; Pantothenate Kinase-Associated Neurodegeneration; Neuroaxonal dystrophy, late infantile; Hallervorden-Spatz disease. Identifiers: Orphanet 157850, MedGen C0018523, MONDO:0009319, OMIM 234200.

Allele frequency attached by ClinVar (database versions not stated): gnomAD exomes below 0.00001; TOPMed below 0.00001; gnomAD 0.00001.

Submissions (3):

Labcorp Genetics (formerly Invitae), Labcorp
Classification: Uncertain significance for Pigmentary pallidal degeneration. Last evaluated: 2022-05-04. Review status: criteria provided, single submitter. Criteria: Invitae Variant Classification Sherloc (09022015). Collection method: clinical testing. Allele origin: germline.
Comment: In summary, the available evidence is currently insufficient to determine the role of this variant in disease. Therefore, it has been classified as a Variant of Uncertain Significance. Variants that disrupt the consensus splice site are a relatively common cause of aberrant splicing (PMID: 17576681, 9536098). Algorithms developed to predict the effect of sequence changes on RNA splicing suggest that this variant may disrupt the consensus splice site. ClinVar contains an entry for this variant (Variation ID: 1175043). This variant has not been reported in the literature in individuals affected with PANK2-related conditions. This variant is present in population databases (no rsID available, gnomAD 0.003%). This sequence change falls in intron 1 of the PANK2 gene. It does not directly change the encoded amino acid sequence of the PANK2 protein. It affects a nucleotide within the consensus splice site.

Diagnostic Laboratory, Department of Genetics, University Medical Center Groningen
Classification: Uncertain significance. Review status: no assertion criteria provided. Collection method: clinical testing. Allele origin: germline. Affected: yes. Study: VKGL Data-share Consensus. Not counted in ClinVar's aggregate classification.

Laboratory of Diagnostic Genome Analysis, Leiden University Medical Center (LUMC)
Classification: Uncertain significance. Review status: no assertion criteria provided. Collection method: clinical testing. Allele origin: germline. Affected: yes. Study: VKGL Data-share Consensus. Not counted in ClinVar's aggregate classification.

Literature cited by the submitters: PubMed 17576681 (cited by Labcorp Genetics (formerly Invitae), Labcorp); PubMed 9536098 (cited by Labcorp Genetics (formerly Invitae), Labcorp).

NM_001386393.1(PANK2):c.298+2dup

Genes: PANK2 (pantothenate kinase 2; plus strand), LOC130065345 (ATAC-STARR-seq lymphoblastoid silent region 12635; plus strand). Cytogenetic location: 20p13.
Variant type: Duplication.
Coding change: c.298+2dup on transcript NM_001386393.1 (MANE Select); the canonical splice donor site of the intron after coding-DNA position 298, one base duplicated (T; older notation c.298+2dupT).
Molecular consequence: splice donor variant. On other transcripts: intron variant (1).
Genome position (GRCh38, 1-based): chr20:3,889,730, T duplicated. VCF-style (leftmost placement, unchanged base first): chr20-3889729-G-GT. GRCh37 (hg19) VCF-style: chr20-3870376-G-GT.
Other names: c.628+2dup (NM_001324192.1, NM_153638.4); c.-414+2dup (NM_001324191.2); c.-246+826dup (NM_024960.6).
Identifiers: ClinVar variation 1175043 (VCV001175043.9), dbSNP rs1309365137, ClinGen allele CA634207521.